The following is an entry in ClinVar:

NM_152383.5(DIS3L2):c.581C>G (p.Ser194Ter)

Gene: DIS3L2 (DIS3 like 3'-5' exoribonuclease 2; plus strand). Cytogenetic location: 2q37.1.
Variant type: single nucleotide variant.
Coding change: c.581C>G on transcript NM_152383.5 (MANE Select); coding-DNA position 581, C replaced by G.
Protein change: p.Ser194Ter; replaces serine 194 with a stop codon.
Molecular consequence: nonsense. On other transcripts: non-coding transcript variant (2).
Genome position (GRCh38, 1-based): chr2:232,087,701, C>G. VCF-style: chr2-232087701-C-G. GRCh37 (hg19) VCF-style: chr2-232952411-C-G.
Other names: c.581C>G, p.Ser194Ter (NM_001257281.2, NM_001257282.2); short protein forms S194*.
Identifiers: ClinVar variation 1453905 (VCV001453905.6), dbSNP rs772157269, ClinGen allele CA351155295.

ClinVar aggregate classification (germline): Pathogenic (1 of 4 stars; one submission).

Conditions:
Perlman syndrome (PRLMNS). Identifiers: Orphanet 2849, MedGen C0796113, MONDO:0009965, OMIM 267000.

Submission:

Labcorp Genetics (formerly Invitae), Labcorp
Classification: Pathogenic for Perlman syndrome. Last evaluated: 2022-06-08. Review status: criteria provided, single submitter. Criteria: Invitae Variant Classification Sherloc (09022015). Collection method: clinical testing. Allele origin: germline.
Comment: For these reasons, this variant has been classified as Pathogenic. This variant has not been reported in the literature in individuals affected with DIS3L2-related conditions. This variant is not present in population databases (gnomAD no frequency). This sequence change creates a premature translational stop signal (p.Ser194*) in the DIS3L2 gene. It is expected to result in an absent or disrupted protein product. Loss-of-function variants in DIS3L2 are known to be pathogenic (PMID: 22306653, 28328139).

Literature cited by the submitters: PubMed 22306653; PubMed 28328139.